The following is an entry in ClinVar:

NM_001184970.3(PACSIN2):c.791A>C (p.Lys264Thr)

Gene: PACSIN2 (protein kinase C and casein kinase substrate in neurons 2; minus strand). Cytogenetic location: 22q13.2.
Variant type: single nucleotide variant.
Coding change: c.791A>C on transcript NM_001184970.3 (MANE Select); coding-DNA position 791, A replaced by C.
Protein change: p.Lys264Thr; replaces lysine 264 with threonine.
Molecular consequence: missense variant.
Genome position (GRCh38, 1-based): chr22:42,882,299, T>G on the plus strand (A>C on the coding strand, the complement: PACSIN2 is on the minus strand). VCF-style: chr22-42882299-T-G. GRCh37 (hg19) VCF-style: chr22-43278305-T-G.
Other names: c.791A>C, p.Lys264Thr (NM_001184971.1, NM_001349968.1, NM_001349969.2 and 5 more transcripts); c.668A>C, p.Lys223Thr (NM_001349974.2); short protein forms K223T, K264T.
Identifiers: ClinVar variation 2653261 (VCV002653261.24), dbSNP rs746875375, ClinGen allele CA10271342.

ClinVar aggregate classification (germline): Likely benign (1 of 4 stars; one submission).

Allele frequency attached by ClinVar (database versions not stated): ExAC 0.00001; gnomAD 0.00001.

Submission:

CeGaT Center for Human Genetics Tuebingen
Classification: Likely benign. Last evaluated: 2022-07-01. Review status: criteria provided, single submitter. Criteria: CeGaT Center For Human Genetics Tuebingen Variant Classification Criteria Version 2. Collection method: clinical testing. Allele origin: germline. Affected: yes. Observed: 1 variant allele.
Comment: PACSIN2: BP4